The following is an entry in ClinVar:

ClinVar aggregate classification (germline): Uncertain significance. Review status: criteria provided, multiple submitters, no conflicts (2 of 4 stars). 2 submissions from 2 submitters: Uncertain significance (2). Last evaluated 2025-04-28.

Conditions:
Inborn genetic diseases. Identifiers: MedGen C0950123, MeSH D030342.

Allele frequency attached by ClinVar (database versions not stated): ESP Exome Variant Server 0.00008.
gnomAD v4.1: 7 of 1,610,542 alleles (0.00043%); highest among the groups gnomAD compares: African/African-American, 0.0067%; no homozygotes.

Submissions (2):

Labcorp Genetics (formerly Invitae), Labcorp
Classification: Uncertain significance. Last evaluated: 2025-04-28. Review status: criteria provided, single submitter. Criteria: Invitae Variant Classification Sherloc (09022015). Collection method: clinical testing. Allele origin: germline.
Comment: This sequence change replaces proline, which is neutral and non-polar, with serine, which is neutral and polar, at codon 492 of the EFL1 protein (p.Pro492Ser). The frequency data for this variant in the population databases is considered unreliable, as metrics indicate poor data quality at this position in the gnomAD database. This variant has not been reported in the literature in individuals affected with EFL1-related conditions. ClinVar contains an entry for this variant (Variation ID: 1943726). Invitae Evidence Modeling of protein sequence and biophysical properties (such as structural, functional, and spatial information, amino acid conservation, physicochemical variation, residue mobility, and thermodynamic stability) indicates that this missense variant is not expected to disrupt EFL1 protein function with a negative predictive value of 80%. In summary, the available evidence is currently insufficient to determine the role of this variant in disease. Therefore, it has been classified as a Variant of Uncertain Significance.

Ambry Genetics
Classification: Uncertain significance for Inborn genetic diseases. Last evaluated: 2021-10-12. Review status: criteria provided, single submitter. Criteria: Ambry Variant Classification Scheme 2023. Collection method: clinical testing. Allele origin: germline.

NM_024580.6(EFL1):c.1474C>T (p.Pro492Ser)

Gene: EFL1 (elongation factor like GTPase 1; minus strand). Cytogenetic location: 15q25.2.
Variant type: single nucleotide variant.
Coding change: c.1474C>T on transcript NM_024580.6 (MANE Select); coding-DNA position 1474, C replaced by T.
Protein change: p.Pro492Ser; replaces proline 492 with serine.
Molecular consequence: missense variant. On other transcripts: non-coding transcript variant (1).
Genome position (GRCh38, 1-based): chr15:82,219,789, G>A on the plus strand (C>T on the coding strand, the complement: EFL1 is on the minus strand). VCF-style: chr15-82219789-G-A. GRCh37 (hg19) VCF-style: chr15-82512130-G-A.
Other names: c.1321C>T, p.Pro441Ser (NM_001040610.3); c.685C>T, p.Pro229Ser (NM_001322844.2); c.1474C>T, p.Pro492Ser (NM_001322845.2); short protein forms P229S, P492S, P441S.
Identifiers: ClinVar variation 1943726 (VCV001943726.5), dbSNP rs373434157, ClinGen allele CA7697968.